The following is an entry in ClinVar:

NM_016095.3(GINS2):c.489G>A (p.Ala163=)

Gene: GINS2 (GINS complex subunit 2; minus strand). Cytogenetic location: 16q24.1.
Variant type: single nucleotide variant.
Coding change: c.489G>A on transcript NM_016095.3 (MANE Select); coding-DNA position 489, G replaced by A.
Protein change: p.Ala163=; no amino-acid change (alanine 163 retained).
Molecular consequence: synonymous variant.
Genome position (GRCh38, 1-based): chr16:85,678,281, C>T on the plus strand (G>A on the coding strand, the complement: GINS2 is on the minus strand). VCF-style: chr16-85678281-C-T. GRCh37 (hg19) VCF-style: chr16-85711887-C-T.
Identifiers: ClinVar variation 4681273 (VCV004681273.5).

ClinVar aggregate classification (germline): Likely benign (1 of 4 stars; one submission).

gnomAD v4.1: 4,939 of 1,612,912 alleles (0.31%); highest among the groups gnomAD compares: Middle Eastern, 0.38%; 8 homozygotes.

Submission:

CeGaT Center for Human Genetics Tuebingen
Classification: Likely benign. Last evaluated: 2025-12-01. Review status: criteria provided, single submitter. Criteria: CeGaT Center For Human Genetics Tuebingen Variant Classification Criteria Version 2. Collection method: clinical testing. Allele origin: germline. Affected: yes. Observed: 1 variant allele.
Comment: GINS2: BP4, BP7